The following is an entry in ClinVar:

ClinVar aggregate classification (germline): Uncertain significance (1 of 4 stars; one submission).

Conditions:
Tuberous sclerosis 2 (TSC2). Identifiers: Orphanet 805, MedGen C1860707, MONDO:0013199, OMIM 613254.

Submission:

Labcorp Genetics (formerly Invitae), Labcorp
Classification: Uncertain significance for Tuberous sclerosis 2. Last evaluated: 2020-10-23. Review status: criteria provided, single submitter. Criteria: Invitae Variant Classification Sherloc (09022015). Collection method: clinical testing. Allele origin: germline.
Comment: In summary, the available evidence is currently insufficient to determine the role of this variant in disease. Therefore, it has been classified as a Variant of Uncertain Significance. Advanced modeling of protein sequence and biophysical properties (such as structural, functional, and spatial information, amino acid conservation, physicochemical variation, residue mobility, and thermodynamic stability) performed at Invitae indicates that this missense variant is not expected to disrupt TSC2 protein function. This variant has not been reported in the literature in individuals with TSC2-related conditions. This variant is not present in population databases (ExAC no frequency). This sequence change replaces lysine with glutamic acid at codon 34 of the TSC2 protein (p.Lys34Glu). The lysine residue is moderately conserved and there is a small physicochemical difference between lysine and glutamic acid.

NM_000548.5(TSC2):c.100A>G (p.Lys34Glu)

Gene: TSC2 (TSC complex subunit 2; plus strand). Cytogenetic location: 16p13.3.
Variant type: single nucleotide variant.
Coding change: c.100A>G on transcript NM_000548.5 (MANE Select); coding-DNA position 100, A replaced by G.
Protein change: p.Lys34Glu; replaces lysine 34 with glutamic acid.
Molecular consequence: missense variant. On other transcripts: 5 prime UTR variant (1), intron variant (1).
Genome position (GRCh38, 1-based): chr16:2,048,715, A>G. VCF-style: chr16-2048715-A-G. GRCh37 (hg19) VCF-style: chr16-2098716-A-G.
Other names: c.100A>G, p.Lys34Glu (NM_001077183.3, NM_001114382.3, NM_001318827.2 and 4 more transcripts); c.-127A>G (NM_001318831.2); c.133A>G, p.Lys45Glu (NM_001318832.2); c.-10+650A>G (NM_001318829.2); short protein forms K34E, K45E.
Identifiers: ClinVar variation 1022994 (VCV001022994.9), dbSNP rs2084680573, ClinGen allele CA394301483.
Genomic context (GRCh38, chr16:2,048,715, plus strand): 5'-AAGTTTAAGATTCTGTTGGGACTGGGAACACCGAGGCCAAATCCCAGGTCTGCAGAGGGT[A>G]AACAGACGGAGTTTATCATCACCGCGGAAATACTGAGAGTGAGTGAGCTACCTGTGTCTT-3'
Protein context (NP_000539.2, residues 24-44): PRPNPRSAEG[Lys34Glu]QTEFIITAEI